The following is an entry in ClinVar:

NM_014000.3(VCL):c.530A>G (p.Glu177Gly)

Gene: VCL (vinculin; plus strand). Cytogenetic location: 10q22.2.
Variant type: single nucleotide variant.
Coding change: c.530A>G on transcript NM_014000.3 (MANE Select); coding-DNA position 530, A replaced by G.
Protein change: p.Glu177Gly; replaces glutamic acid 177 with glycine.
Molecular consequence: missense variant.
Genome position (GRCh38, 1-based): chr10:74,072,760, A>G. VCF-style: chr10-74072760-A-G. GRCh37 (hg19) VCF-style: chr10-75832518-A-G.
Other names: c.530A>G, p.Glu177Gly (NM_003373.4); short protein forms E177G.
Identifiers: ClinVar variation 1746743 (VCV001746743.7), dbSNP rs1841681688, ClinGen allele CA377267936.

ClinVar aggregate classification (germline): Uncertain significance. Review status: criteria provided, multiple submitters, no conflicts (2 of 4 stars). 2 submissions from 2 submitters: Uncertain significance (2). Last evaluated 2022-04-23.

Conditions:
Cardiovascular phenotype. Identifiers: MedGen CN230736.
Dilated cardiomyopathy 1W (CMD1W). Identifiers: Orphanet 154, MedGen C1969639, MONDO:0012667, OMIM 611407.

Allele frequency attached by ClinVar (database versions not stated): gnomAD exomes below 0.00001.
gnomAD v4.1: 1 of 1,614,096 alleles (0.000062%); highest among the groups gnomAD compares: Non-Finnish European, 0.000085%; no homozygotes.

Submissions (2):

Labcorp Genetics (formerly Invitae), Labcorp
Classification: Uncertain significance for Dilated cardiomyopathy 1W. Last evaluated: 2022-04-23. Review status: criteria provided, single submitter. Criteria: Invitae Variant Classification Sherloc (09022015). Collection method: clinical testing. Allele origin: germline.
Comment: This sequence change replaces glutamic acid, which is acidic and polar, with glycine, which is neutral and non-polar, at codon 177 of the VCL protein (p.Glu177Gly). This variant is not present in population databases (gnomAD no frequency). This variant has not been reported in the literature in individuals affected with VCL-related conditions. Algorithms developed to predict the effect of missense changes on protein structure and function are either unavailable or do not agree on the potential impact of this missense change (SIFT: "Not Available"; PolyPhen-2: "Possibly Damaging"; Align-GVGD: "Not Available"). In summary, the available evidence is currently insufficient to determine the role of this variant in disease. Therefore, it has been classified as a Variant of Uncertain Significance.

Ambry Genetics
Classification: Uncertain significance for Cardiovascular phenotype. Last evaluated: 2021-04-14. Review status: criteria provided, single submitter. Criteria: Ambry Variant Classification Scheme 2023. Collection method: clinical testing. Allele origin: germline.
Comment: The p.E177G variant (also known as c.530A>G), located in coding exon 5 of the VCL gene, results from an A to G substitution at nucleotide position 530. The glutamic acid at codon 177 is replaced by glycine, an amino acid with similar properties. This amino acid position is highly conserved in available vertebrate species. In addition, the in silico prediction for this alteration is inconclusive. Since supporting evidence is limited at this time, the clinical significance of this alteration remains unclear.